The following is an entry in ClinVar:

NM_004722.4(AP4M1):c.295G>A (p.Glu99Lys)

Gene: AP4M1 (adaptor related protein complex 4 subunit mu 1; plus strand). Cytogenetic location: 7q22.1.
Variant type: single nucleotide variant.
Coding change: c.295G>A on transcript NM_004722.4 (MANE Select); coding-DNA position 295, G replaced by A.
Protein change: p.Glu99Lys; replaces glutamic acid 99 with lysine.
Molecular consequence: missense variant.
Genome position (GRCh38, 1-based): chr7:100,102,904, G>A. VCF-style: chr7-100102904-G-A. GRCh37 (hg19) VCF-style: chr7-99700527-G-A.
Other names: p.Glu99Lys; c.316G>A, p.Glu106Lys (NM_001363671.2); short protein forms E99K, E106K.
Identifiers: ClinVar variation 386755 (VCV000386755.16), dbSNP rs200347699, ClinGen allele CA4374557.

ClinVar aggregate classification (germline): Conflicting classifications of pathogenicity. Review status: criteria provided, conflicting classifications (1 of 4 stars). 4 submissions from 4 submitters: Uncertain significance (2); Likely benign (1). 1 of the submissions does not count toward it. Last evaluated 2025-10-23.

Conditions:
AP4M1-related disorder. Also called: AP4M1-related condition.
Hereditary spastic paraplegia 50 (SPG50). Also called: Spastic paraplegia 50, autosomal recessive. Identifiers: Orphanet 280763, MedGen C2752008, MONDO:0013048, OMIM 612936.

Allele frequency attached by ClinVar (database versions not stated): gnomAD exomes 0.00012 and 0.00026; gnomAD 0.00018 and 0.00020; ExAC 0.00023; TOPMed 0.00020; ESP Exome Variant Server 0.00031.

Submissions (4):

Labcorp Genetics (formerly Invitae), Labcorp
Classification: Likely benign for Hereditary spastic paraplegia 50. Last evaluated: 2025-10-23. Review status: criteria provided, single submitter. Criteria: Invitae Variant Classification Sherloc (09022015). Collection method: clinical testing. Allele origin: germline.

Mayo Clinic Laboratories, Mayo Clinic
Classification: Uncertain significance. Last evaluated: 2022-10-07. Review status: criteria provided, single submitter. Criteria: ACMG Guidelines, 2015. Collection method: clinical testing. Allele origin: germline. Observed: 1 variant allele.
Comment: BS1

GeneDx
Classification: Uncertain significance. Last evaluated: 2019-07-25. Review status: criteria provided, single submitter. Criteria: GeneDx Variant Classification Process June 2021. Collection method: clinical testing. Allele origin: germline. Affected: yes.
Comment: In silico analysis, which includes protein predictors and evolutionary conservation, supports a deleterious effect; Has not been previously published as pathogenic or benign to our knowledge

PreventionGenetics, part of Exact Sciences
Classification: Likely benign for AP4M1-related condition. Last evaluated: 2019-07-10. Review status: no assertion criteria provided. Collection method: clinical testing. Allele origin: germline. Not counted in ClinVar's aggregate classification.
Comment: This variant is classified as likely benign based on ACMG/AMP sequence variant interpretation guidelines (Richards et al. 2015 PMID: 25741868, with internal and published modifications).